The following is an entry in ClinVar:

NM_003482.4(KMT2D):c.6764T>C (p.Leu2255Ser)

Gene: KMT2D (lysine methyltransferase 2D; minus strand). Cytogenetic location: 12q13.12.
Variant type: single nucleotide variant.
Coding change: c.6764T>C on transcript NM_003482.4 (MANE Select); coding-DNA position 6764, T replaced by C.
Protein change: p.Leu2255Ser; replaces leucine 2255 with serine.
Molecular consequence: missense variant.
Genome position (GRCh38, 1-based): chr12:49,041,006, A>G on the plus strand (T>C on the coding strand, the complement: KMT2D is on the minus strand). VCF-style: chr12-49041006-A-G. GRCh37 (hg19) VCF-style: chr12-49434789-A-G.
Other names: short protein forms L2255S.
Identifiers: ClinVar variation 3372959 (VCV003372959.1).

ClinVar aggregate classification (germline): Uncertain significance (1 of 4 stars; one submission).

Submission:

GeneDx
Classification: Uncertain significance. Last evaluated: 2024-05-02. Review status: criteria provided, single submitter. Criteria: GeneDx Variant Classification Process June 2021. Collection method: clinical testing. Allele origin: germline. Affected: yes.
Comment: Not observed at significant frequency in large population cohorts (gnomAD); In silico analysis indicates that this missense variant does not alter protein structure/function; Has not been previously published as pathogenic or benign to our knowledge